The following is an entry in ClinVar:

ClinVar aggregate classification (germline): Uncertain significance. Review status: criteria provided, multiple submitters, no conflicts (2 of 4 stars). 2 submissions from 2 submitters: Uncertain significance (2). Last evaluated 2026-07-29.

Conditions:
PCNT-related disorder. Also called: PCNT-related condition.

Submissions (2):

PreventionGenetics, part of Exact Sciences
Classification: Uncertain significance for PCNT-related condition. Last evaluated: 2026-07-29. Review status: criteria provided, single submitter. Criteria: ACMG Guidelines, 2015. Collection method: clinical testing. Allele origin: germline.
Comment: The PCNT c.1489C>T variant is predicted to result in the amino acid substitution p.Arg497Cys. To our knowledge, this variant has not been reported in the literature. This variant is reported in 0.022% of alleles in individuals of East Asian descent in gnomAD. At this time, the clinical significance of this variant is uncertain due to the absence of conclusive functional and genetic evidence.

Labcorp Genetics (formerly Invitae), Labcorp
Classification: Uncertain significance. Last evaluated: 2024-10-17. Review status: criteria provided, single submitter. Criteria: Invitae Variant Classification Sherloc (09022015). Collection method: clinical testing. Allele origin: germline.
Comment: This sequence change replaces arginine, which is basic and polar, with cysteine, which is neutral and slightly polar, at codon 497 of the PCNT protein (p.Arg497Cys). This variant is present in population databases (rs371251124, gnomAD 0.02%). This variant has not been reported in the literature in individuals affected with PCNT-related conditions. An algorithm developed to predict the effect of missense changes on protein structure and function outputs the following: PolyPhen-2: "Benign". The cysteine amino acid residue is found in multiple mammalian species, which suggests that this missense change does not adversely affect protein function. In summary, the available evidence is currently insufficient to determine the role of this variant in disease. Therefore, it has been classified as a Variant of Uncertain Significance.

NM_006031.6(PCNT):c.1489C>T (p.Arg497Cys)

Gene: PCNT (pericentrin; plus strand). Cytogenetic location: 21q22.3.
Variant type: single nucleotide variant.
Coding change: c.1489C>T on transcript NM_006031.6 (MANE Select); coding-DNA position 1489, C replaced by T.
Protein change: p.Arg497Cys; replaces arginine 497 with cysteine.
Molecular consequence: missense variant.
Genome position (GRCh38, 1-based): chr21:46,353,136, C>T. VCF-style: chr21-46353136-C-T. GRCh37 (hg19) VCF-style: chr21-47773050-C-T.
Other names: c.1489C>T (NM_006031.5); c.1135C>T, p.Arg379Cys (NM_001315529.2); short protein forms R497C, R379C.
Identifiers: ClinVar variation 3711595 (VCV003711595.2).